The following is an entry in ClinVar:

ClinVar aggregate classification (germline): Uncertain significance. Review status: criteria provided, multiple submitters, no conflicts (2 of 4 stars). 4 submissions from 4 submitters: Uncertain significance (4). Last evaluated 2024-05-09.

Conditions:
Usher syndrome type 1D (USH1D). Also called: USHER SYNDROME, TYPE ID. Identifiers: Orphanet 231169, Orphanet 886, MedGen C1832845, MONDO:0010984, OMIM 601067.

Allele frequency attached by ClinVar (database versions not stated): gnomAD exomes below 0.00001; TOPMed 0.00002.
gnomAD v4.1: 2 of 1,613,928 alleles (0.00012%); highest among the groups gnomAD compares: Non-Finnish European, 0.00017%; no homozygotes.

Submissions (4):

GeneDx
Classification: Uncertain significance. Last evaluated: 2024-05-09. Review status: criteria provided, single submitter. Criteria: GeneDx Variant Classification Process June 2021. Collection method: clinical testing. Allele origin: germline. Affected: yes.
Comment: Not observed at significant frequency in large population cohorts (gnomAD); In silico analysis indicates that this missense variant does not alter protein structure/function; Has not been previously published as pathogenic or benign to our knowledge

Labcorp Genetics (formerly Invitae), Labcorp
Classification: Uncertain significance. Last evaluated: 2022-07-21. Review status: criteria provided, single submitter. Criteria: Invitae Variant Classification Sherloc (09022015). Collection method: clinical testing. Allele origin: germline.
Comment: This sequence change replaces proline, which is neutral and non-polar, with serine, which is neutral and polar, at codon 1718 of the PCDH15 protein (p.Pro1718Ser). This variant is not present in population databases (gnomAD no frequency). This variant has not been reported in the literature in individuals affected with PCDH15-related conditions. ClinVar contains an entry for this variant (Variation ID: 931062). Algorithms developed to predict the effect of missense changes on protein structure and function output the following: SIFT: "Tolerated"; PolyPhen-2: "Benign"; Align-GVGD: "Class C0". The serine amino acid residue is found in multiple mammalian species, which suggests that this missense change does not adversely affect protein function. In summary, the available evidence is currently insufficient to determine the role of this variant in disease. Therefore, it has been classified as a Variant of Uncertain Significance.

Blueprint Genetics
Classification: Uncertain significance. Last evaluated: 2019-12-12. Review status: criteria provided, single submitter. Criteria: ACMG Guidelines, 2015. Collection method: clinical testing. Allele origin: germline.

Centre for Mendelian Genomics, University Medical Centre Ljubljana
Classification: Uncertain significance for Usher syndrome type 1D. Last evaluated: 2019-05-04. Review status: criteria provided, single submitter. Criteria: ACMG Guidelines, 2015. Collection method: clinical testing. Allele origin: unknown. Affected: yes.
Comment: This variant was classified as: Uncertain significance. The following ACMG criteria were applied in classifying this variant: PM2.

NM_033056.4(PCDH15):c.5152C>T (p.Pro1718Ser)

Gene: PCDH15 (protocadherin related 15; minus strand). Cytogenetic location: 10q21.1.
Variant type: single nucleotide variant.
Coding change: c.5152C>T on transcript NM_033056.4 (MANE Plus Clinical); coding-DNA position 5152, C replaced by T.
Protein change: p.Pro1718Ser; replaces proline 1718 with serine.
Molecular consequence: missense variant. On other transcripts: intron variant (8).
Genome position (GRCh38, 1-based): chr10:53,822,574, G>A on the plus strand (C>T on the coding strand, the complement: PCDH15 is on the minus strand). VCF-style: chr10-53822574-G-A. GRCh37 (hg19) VCF-style: chr10-55582334-G-A.
Other names: c.4388+4819C>T (NM_001354411.2); c.4409+2562C>T (NM_001142769.3); c.5143C>T, p.Pro1715Ser (NM_001142766.2); c.5032C>T, p.Pro1678Ser (NM_001142767.2); c.5092C>T, p.Pro1698Ser (NM_001142768.2); c.5083C>T, p.Pro1695Ser (NM_001142773.2); c.5086C>T, p.Pro1696Ser (NM_001354404.2); c.4367+4819C>T (NM_001354420.2); and 7 more; short protein forms P1649S, P1720S, P1698S, P1725S, P1678S, P1695S, P1696S, P1715S.
Identifiers: ClinVar variation 931062 (VCV000931062.7), dbSNP rs1194313858, ClinGen allele CA376525654.
Genomic context (GRCh38, chr10:53,822,574, plus strand): 5'-GTGGATGGGCAAAATTTTCAAAAATATTTCTTTCGGTTTCAATAGGTAACATACAAATAG[G>A]TGTCTCTCTCCTAGAGAGTGAAGAATGTAAAACACAAGGCCTTGAAGGAGAAAGTTCCAA-3'
Protein context (NP_149045.3, residues 1708-1728): LHSSLSRRET[Pro1718Ser]ICMLPIETER